The following is an entry in ClinVar:

ClinVar aggregate classification (germline): Uncertain significance (1 of 4 stars; one submission).

Conditions:
Cardiovascular phenotype. Identifiers: MedGen CN230736.

gnomAD v4.1: 1 of 1,613,448 alleles (0.000062%); highest among the groups gnomAD compares: East Asian, 0.0022%; no homozygotes.

Submission:

Ambry Genetics
Classification: Uncertain significance for Cardiovascular phenotype. Last evaluated: 2025-05-05. Review status: criteria provided, single submitter. Criteria: Ambry Variant Classification Scheme 2023. Collection method: clinical testing. Allele origin: germline.
Comment: The p.V172F variant (also known as c.514G>T), located in coding exon 3 of the SNTA1 gene, results from a G to T substitution at nucleotide position 514. The valine at codon 172 is replaced by phenylalanine, an amino acid with highly similar properties. This amino acid position is conserved. In addition, this alteration is predicted to be tolerated by in silico analysis. Based on the available evidence, the clinical significance of this variant remains unclear.

NM_003098.3(SNTA1):c.514G>T (p.Val172Phe)

Gene: SNTA1 (syntrophin alpha 1; minus strand). Cytogenetic location: 20q11.21.
Variant type: single nucleotide variant.
Coding change: c.514G>T on transcript NM_003098.3 (MANE Select); coding-DNA position 514, G replaced by T.
Protein change: p.Val172Phe; replaces valine 172 with phenylalanine.
Molecular consequence: missense variant.
Genome position (GRCh38, 1-based): chr20:33,417,906, C>A on the plus strand (G>T on the coding strand, the complement: SNTA1 is on the minus strand). VCF-style: chr20-33417906-C-A. GRCh37 (hg19) VCF-style: chr20-32005712-C-A.
Other names: c.514G>T, p.Val172Phe (NM_001424413.1, NM_001424414.1); short protein forms V172F.
Identifiers: ClinVar variation 3959296 (VCV003959296.1).